The following is an entry in ClinVar:

NM_001393504.1(MAST3):c.2205G>A (p.Lys735=)

Gene: MAST3 (microtubule associated serine/threonine kinase 3; plus strand). Cytogenetic location: 19p13.11.
Variant type: single nucleotide variant.
Coding change: c.2205G>A on transcript NM_001393504.1 (MANE Select); coding-DNA position 2205, G replaced by A.
Protein change: p.Lys735=; no amino-acid change (lysine 735 retained).
Molecular consequence: synonymous variant.
Genome position (GRCh38, 1-based): chr19:18,139,124, G>A. VCF-style: chr19-18139124-G-A. GRCh37 (hg19) VCF-style: chr19-18249934-G-A.
Other names: c.2229G>A, p.Lys743= (NM_001393501.1); c.2208G>A, p.Lys736= (NM_001393502.1); c.2205G>A, p.Lys735= (NM_001393503.1); c.2202G>A, p.Lys734= (NM_001393505.1); c.2157G>A, p.Lys719= (NM_001393506.1, NM_001393513.1); c.2184G>A, p.Lys728= (NM_001393507.1); c.2139G>A, p.Lys713= (NM_001393508.1, NM_001393516.1); c.2136G>A, p.Lys712= (NM_001393509.1, NM_001393510.1, NM_001393512.1 and 2 more transcripts); and 4 more.
Identifiers: ClinVar variation 3777296 (VCV003777296.1).

ClinVar aggregate classification (germline): Uncertain significance (1 of 4 stars; one submission).

Submission:

GeneDx
Classification: Uncertain significance. Last evaluated: 2024-10-14. Review status: criteria provided, single submitter. Criteria: GeneDx Variant Classification Process June 2021. Collection method: clinical testing. Allele origin: germline. Affected: yes.
Comment: Not observed at significant frequency in large population cohorts (gnomAD); In silico analysis supports a deleterious effect on splicing; Has not been previously published as pathogenic or benign to our knowledge